The following is an entry in ClinVar:

ClinVar aggregate classification (germline): Uncertain significance (1 of 4 stars; one submission).

gnomAD v4.1: 1 of 1,611,842 alleles (0.000062%); highest among the groups gnomAD compares: African/African-American, 0.0013%; no homozygotes.

Submission:

GeneDx
Classification: Uncertain significance. Last evaluated: 2026-02-19. Review status: criteria provided, single submitter. Criteria: GeneDx Variant Classification Process June 2021. Collection method: clinical testing. Allele origin: germline.
Comment: Not observed at significant frequency in large population cohorts (gnomAD); In silico analysis supports that this missense variant has a deleterious effect on protein structure/function; Has not been previously published as pathogenic or benign to our knowledge

NM_007118.4(TRIO):c.4223T>G (p.Ile1408Arg)

Gene: TRIO (trio Rho guanine nucleotide exchange factor; plus strand). Cytogenetic location: 5p15.2.
Variant type: single nucleotide variant.
Coding change: c.4223T>G on transcript NM_007118.4 (MANE Select); coding-DNA position 4223, T replaced by G.
Protein change: p.Ile1408Arg; replaces isoleucine 1408 with arginine.
Molecular consequence: missense variant. On other transcripts: non-coding transcript variant (1).
Genome position (GRCh38, 1-based): chr5:14,394,042, T>G. VCF-style: chr5-14394042-T-G. GRCh37 (hg19) VCF-style: chr5-14394151-T-G.
Other names: short protein forms I1408R.
Identifiers: ClinVar variation 5009823 (VCV005009823.1).